The following is an entry in ClinVar:

NM_001105206.3(LAMA4):c.2977-5C>T

Gene: LAMA4 (laminin subunit alpha 4; minus strand). Cytogenetic location: 6q21.
Variant type: single nucleotide variant.
Coding change: c.2977-5C>T on transcript NM_001105206.3 (MANE Select); 5 bases into the intron before coding-DNA position 2977, C replaced by T.
Molecular consequence: intron variant.
Genome position (GRCh38, 1-based): chr6:112,139,890, G>A on the plus strand (C>T on the coding strand, the complement: LAMA4 is on the minus strand). VCF-style: chr6-112139890-G-A. GRCh37 (hg19) VCF-style: chr6-112461092-G-A.
Other names: c.2956-5C>T (NM_002290.5, NM_001105207.3).
Identifiers: ClinVar variation 505329 (VCV000505329.4), dbSNP rs1554332652, ClinGen allele CA658796805.
Genomic context (GRCh38, chr6:112,139,890, plus strand): 5'-AAAGTGGCCAGTTCCAGGCAGCCAACAAAGCCAGGCAGGTTTAAGCTGGTAGGGAGCTAT[G>A]CAATAGAAAAAGTAAAACCACTTGTCTCATGGTCATATTTTACTCAGACATCACAGAACA-3'

ClinVar aggregate classification (germline): Likely benign (1 of 4 stars; one submission).

Submission:

Laboratory for Molecular Medicine, Mass General Brigham Personalized Medicine
Classification: Likely benign. Last evaluated: 2016-09-02. Review status: criteria provided, single submitter. Criteria: LMM Criteria. Collection method: clinical testing. Allele origin: germline. Observed: 1 variant allele.
Comment: c.2956-5C>T in intron 22 of LAMA4: This variant is not expected to have clinical significance because a C>T change at this position does not diverge from the sp lice consensus sequence and is therefore unlikely to impact splicing. It was ab sent from large population studies.